The following is an entry in ClinVar:

NM_001142864.4(PIEZO1):c.5741G>A (p.Ser1914Asn)

Gene: PIEZO1 (piezo type mechanosensitive ion channel component 1 (Er blood group); minus strand). Cytogenetic location: 16q24.3.
Variant type: single nucleotide variant.
Coding change: c.5741G>A on transcript NM_001142864.4 (MANE Select); coding-DNA position 5741, G replaced by A.
Protein change: p.Ser1914Asn; replaces serine 1914 with asparagine.
Molecular consequence: missense variant.
Genome position (GRCh38, 1-based): chr16:88,720,676, C>T on the plus strand (G>A on the coding strand, the complement: PIEZO1 is on the minus strand). VCF-style: chr16-88720676-C-T. GRCh37 (hg19) VCF-style: chr16-88787084-C-T.
Other names: short protein forms S1914N.
Identifiers: ClinVar variation 4281578 (VCV004281578.7).
Genomic context (GRCh38, chr16:88,720,676, plus strand): 5'-AGGGACAGGCAGAAGCCCTGCAGCCGCCGCCCGGCCGCCCTTACTCTTCCTCCAGAGCGG[C>T]TTGGCCTCTTCTCTCTCCCCGTGGGGGCCTCTTTCTCTTCCTCCCCCTCTTCTTCCTCCC-3'
Protein context (NP_001136336.2, residues 1904-1924): EAPTGREKRP[Ser1914Asn]RSGGRVRAAG

ClinVar aggregate classification (germline): Uncertain significance (1 of 4 stars; one submission).

gnomAD v4.1: 5 of 1,546,576 alleles (0.00032%); highest among the groups gnomAD compares: South Asian, 0.0012%; no homozygotes.

Submission:

CeGaT Center for Human Genetics Tuebingen
Classification: Uncertain significance. Last evaluated: 2025-09-01. Review status: criteria provided, single submitter. Criteria: CeGaT Center For Human Genetics Tuebingen Variant Classification Criteria Version 2. Collection method: clinical testing. Allele origin: germline. Affected: yes. Observed: 1 variant allele.
Comment: PIEZO1: PM2, BP4